The following is an entry in ClinVar:

NM_001848.3(COL6A1):c.1724G>A (p.Gly575Asp)

Gene: COL6A1 (collagen type VI alpha 1 chain; plus strand). Cytogenetic location: 21q22.3.
Variant type: single nucleotide variant.
Coding change: c.1724G>A on transcript NM_001848.3 (MANE Select); coding-DNA position 1724, G replaced by A.
Protein change: p.Gly575Asp; replaces glycine 575 with aspartic acid.
Molecular consequence: missense variant.
Genome position (GRCh38, 1-based): chr21:45,999,202, G>A. VCF-style: chr21-45999202-G-A. GRCh37 (hg19) VCF-style: chr21-47419116-G-A.
Other names: short protein forms G575D.
Identifiers: ClinVar variation 4717222 (VCV004717222.1).
Genomic context (GRCh38, chr21:45,999,202, plus strand): 5'-TTCCCTTCTAGAACAACGACATTGCACCCCGAGGAGTCAAAGGAGCAAAGGGGTACCGGG[G>A]TCCCGAGGGCCCCCAGGTGGGTGGATGTGGCTGGGTGAGGCCACGGTGGGCTGTGCCTGG-3'
Protein context (NP_001839.2, residues 565-585): RGVKGAKGYR[Gly575Asp]PEGPQGPPGH

ClinVar aggregate classification (germline): Uncertain significance (1 of 4 stars; one submission).

Conditions:
Bethlem myopathy 1A. Also called: MYOPATHY, BENIGN CONGENITAL, WITH CONTRACTURES; Bethlem myopathy 1; Bethlem Muscular Dystrophy. Identifiers: Orphanet 610, MedGen CN029274, MONDO:0024530, OMIM 158810.

gnomAD v4.1: 8 of 1,601,614 alleles (0.0005%); highest among the groups gnomAD compares: Non-Finnish European, 0.0006%; no homozygotes.

Submission:

Labcorp Genetics (formerly Invitae), Labcorp
Classification: Uncertain significance for Bethlem myopathy 1A. Last evaluated: 2025-06-23. Review status: criteria provided, single submitter. Criteria: Invitae Variant Classification Sherloc (09022015). Collection method: clinical testing. Allele origin: germline.
Comment: This sequence change replaces glycine, which is neutral and non-polar, with aspartic acid, which is acidic and polar, at codon 575 of the COL6A1 protein (p.Gly575Asp). The frequency data for this variant in the population databases is considered unreliable, as metrics indicate poor data quality at this position in the gnomAD database. This variant has not been reported in the literature in individuals affected with COL6A1-related conditions. Invitae Evidence Modeling of protein sequence and biophysical properties (such as structural, functional, and spatial information, amino acid conservation, physicochemical variation, residue mobility, and thermodynamic stability) indicates that this missense variant is expected to disrupt COL6A1 protein function with a positive predictive value of 80%. This variant disrupts the triple helix domain of COL6A1. Glycine residues within the Gly-Xaa-Yaa repeats of the triple helix domain are required for the structure and stability of fibrillar collagens (PMID: 7695699, 8218237, 19344236). In COL6A1, variants at these glycine residues are significantly enriched in individuals with autosomal dominant disease (PMID: 15689448, 24038877) compared to the general population (ExAC). In summary, the available evidence is currently insufficient to determine the role of this variant in disease. Therefore, it has been classified as a Variant of Uncertain Significance.

Literature cited by the submitters: PubMed 7695699; PubMed 8218237; PubMed 19344236; PubMed 15689448; PubMed 24038877.